The following is an entry in ClinVar:

ClinVar aggregate classification (germline): Uncertain significance (1 of 4 stars; one submission).

Allele frequency attached by ClinVar (database versions not stated): TOPMed 0.00001; gnomAD 0.00002; ESP Exome Variant Server 0.00008.
gnomAD v4.1: 11 of 1,614,014 alleles (0.00068%); highest among the groups gnomAD compares: Admixed American, 0.0017%; no homozygotes.

Submission:

Labcorp Genetics (formerly Invitae), Labcorp
Classification: Uncertain significance. Last evaluated: 2024-03-17. Review status: criteria provided, single submitter. Criteria: Invitae Variant Classification Sherloc (09022015). Collection method: clinical testing. Allele origin: germline.
Comment: This sequence change replaces cysteine, which is neutral and slightly polar, with tyrosine, which is neutral and polar, at codon 178 of the IL12RB2 protein (p.Cys178Tyr). This variant is present in population databases (rs138759281, gnomAD 0.04%). This variant has not been reported in the literature in individuals affected with IL12RB2-related conditions. ClinVar contains an entry for this variant (Variation ID: 1433884). An algorithm developed to predict the effect of missense changes on protein structure and function (PolyPhen-2) suggests that this variant is likely to be disruptive. In summary, the available evidence is currently insufficient to determine the role of this variant in disease. Therefore, it has been classified as a Variant of Uncertain Significance.

NM_001374259.2(IL12RB2):c.533G>A (p.Cys178Tyr)

Gene: IL12RB2 (interleukin 12 receptor subunit beta 2; plus strand). Cytogenetic location: 1p31.3.
Variant type: single nucleotide variant.
Coding change: c.533G>A on transcript NM_001374259.2 (MANE Select); coding-DNA position 533, G replaced by A.
Protein change: p.Cys178Tyr; replaces cysteine 178 with tyrosine.
Molecular consequence: missense variant. On other transcripts: non-coding transcript variant (2).
Genome position (GRCh38, 1-based): chr1:67,328,253, G>A. VCF-style: chr1-67328253-G-A. GRCh37 (hg19) VCF-style: chr1-67793936-G-A.
Other names: c.533G>A, p.Cys178Tyr (NM_001258214.1, NM_001258215.1, NM_001258216.1 and 2 more transcripts); short protein forms C178Y.
Identifiers: ClinVar variation 1433884 (VCV001433884.6), dbSNP rs138759281, ClinGen allele CA900226.
Genomic context (GRCh38, chr1:67,328,253, plus strand): 5'-TTTACAGGCTAAGTGGACCAAAAAATTTAACCTGGCAGAAGCAATGTAAAGACATTTATT[G>A]TGACTATTTGGACTTTGGAATCAACCTCACCCCTGAATCACCTGAATCCAATTTCACAGC-3'
Protein context (NP_001361188.1, residues 168-188): TWQKQCKDIY[Cys178Tyr]DYLDFGINLT